The following is an entry in ClinVar:

ClinVar aggregate classification (germline): Uncertain significance (1 of 4 stars; one submission).

Conditions:
Hyperkalemic periodic paralysis. Also called: Familial hyperkalemic periodic paralysis; Gamstorp disease. Identifiers: Orphanet 682, MedGen C0238357, MONDO:0008224, OMIM 170500, HP:0007215.

gnomAD v4.1: 1 of 1,614,008 alleles (0.000062%); no homozygotes.

Submission:

Labcorp Genetics (formerly Invitae), Labcorp
Classification: Uncertain significance for Hyperkalemic periodic paralysis. Last evaluated: 2021-08-26. Review status: criteria provided, single submitter. Criteria: Invitae Variant Classification Sherloc (09022015). Collection method: clinical testing. Allele origin: germline.
Comment: This sequence change replaces asparagine with aspartic acid at codon 661 of the SCN4A protein (p.Asn661Asp). The asparagine residue is highly conserved and there is a small physicochemical difference between asparagine and aspartic acid. This variant is not present in population databases (ExAC no frequency). This variant has not been reported in the literature in individuals affected with SCN4A-related conditions. Algorithms developed to predict the effect of missense changes on protein structure and function are either unavailable or do not agree on the potential impact of this missense change (SIFT: "Deleterious"; PolyPhen-2: "Benign"; Align-GVGD: "Class C15"). In summary, the available evidence is currently insufficient to determine the role of this variant in disease. Therefore, it has been classified as a Variant of Uncertain Significance.

NM_000334.4(SCN4A):c.1981A>G (p.Asn661Asp)

Gene: SCN4A (sodium voltage-gated channel alpha subunit 4; minus strand). Cytogenetic location: 17q23.3.
Variant type: single nucleotide variant.
Coding change: c.1981A>G on transcript NM_000334.4 (MANE Select); coding-DNA position 1981, A replaced by G.
Protein change: p.Asn661Asp; replaces asparagine 661 with aspartic acid.
Molecular consequence: missense variant.
Genome position (GRCh38, 1-based): chr17:63,959,303, T>C on the plus strand (A>G on the coding strand, the complement: SCN4A is on the minus strand). VCF-style: chr17-63959303-T-C. GRCh37 (hg19) VCF-style: chr17-62036663-T-C.
Other names: short protein forms N661D.
Identifiers: ClinVar variation 639647 (VCV000639647.6), dbSNP rs1597978662, ClinGen allele CA400631686.